The following is an entry in ClinVar:

NM_001145358.2(SIN3A):c.3235A>G (p.Ile1079Val)

Gene: SIN3A (SIN3 transcription regulator family member A; minus strand). Cytogenetic location: 15q24.2.
Variant type: single nucleotide variant.
Coding change: c.3235A>G on transcript NM_001145358.2 (MANE Select); coding-DNA position 3235, A replaced by G.
Protein change: p.Ile1079Val; replaces isoleucine 1079 with valine.
Molecular consequence: missense variant.
Genome position (GRCh38, 1-based): chr15:75,381,666, T>C on the plus strand (A>G on the coding strand, the complement: SIN3A is on the minus strand). VCF-style: chr15-75381666-T-C. GRCh37 (hg19) VCF-style: chr15-75674007-T-C.
Other names: c.3235A>G, p.Ile1079Val (NM_001145357.2, NM_015477.3); short protein forms I1079V.
Identifiers: ClinVar variation 2204354 (VCV002204354.5), dbSNP rs753290842, ClinGen allele CA7667292.
Genomic context (GRCh38, chr15:75,381,666, plus strand): 5'-CTCATACCTCTGCTTCCACAGGGTCATCCGAATTCTCCTCTTCTGTGTCCAGAAGCTCAA[T>C]AGTCAGCTGGACCTGGCCTTGGCTCTGAATAAACATAAGCTGCAAATAAGAAACCTAAGC-3'
Protein context (NP_001138830.1, residues 1069-1089): IQSQGQVQLT[Ile1079Val]ELLDTEEENS

ClinVar aggregate classification (germline): Uncertain significance. Review status: criteria provided, multiple submitters, no conflicts (2 of 4 stars). 2 submissions from 2 submitters: Uncertain significance (2). Last evaluated 2025-07-02.

Conditions:
Inborn genetic diseases. Identifiers: MedGen C0950123, MeSH D030342.

Allele frequency attached by ClinVar (database versions not stated): TOPMed 0.00001; gnomAD 0.00001; gnomAD exomes 0.00001; ExAC 0.00004.
gnomAD v4.1: 20 of 1,613,926 alleles (0.0012%); highest among the groups gnomAD compares: Admixed American, 0.0083%; no homozygotes.

Submissions (2):

Labcorp Genetics (formerly Invitae), Labcorp
Classification: Uncertain significance. Last evaluated: 2025-07-02. Review status: criteria provided, single submitter. Criteria: Invitae Variant Classification Sherloc (09022015). Collection method: clinical testing. Allele origin: germline.
Comment: This sequence change replaces isoleucine, which is neutral and non-polar, with valine, which is neutral and non-polar, at codon 1079 of the SIN3A protein (p.Ile1079Val). This variant is present in population databases (rs753290842, gnomAD 0.007%). This variant has not been reported in the literature in individuals affected with SIN3A-related conditions. ClinVar contains an entry for this variant (Variation ID: 2204354). Invitae Evidence Modeling of protein sequence and biophysical properties (such as structural, functional, and spatial information, amino acid conservation, physicochemical variation, residue mobility, and thermodynamic stability) indicates that this missense variant is not expected to disrupt SIN3A protein function with a negative predictive value of 80%. In summary, the available evidence is currently insufficient to determine the role of this variant in disease. Therefore, it has been classified as a Variant of Uncertain Significance.

Ambry Genetics
Classification: Uncertain significance for Inborn genetic diseases. Last evaluated: 2021-06-18. Review status: criteria provided, single submitter. Criteria: Ambry Variant Classification Scheme 2023. Collection method: clinical testing. Allele origin: germline.